The following is an entry in ClinVar:

NM_005732.4(RAD50):c.1445T>A (p.Ile482Lys)

Gene: RAD50 (RAD50 double strand break repair protein; plus strand). Cytogenetic location: 5q31.1.
Variant type: single nucleotide variant.
Coding change: c.1445T>A on transcript NM_005732.4 (MANE Select); coding-DNA position 1445, T replaced by A.
Protein change: p.Ile482Lys; replaces isoleucine 482 with lysine.
Molecular consequence: missense variant.
Genome position (GRCh38, 1-based): chr5:132,589,830, T>A. VCF-style: chr5-132589830-T-A. GRCh37 (hg19) VCF-style: chr5-131925522-T-A.
Other names: short protein forms I482K.
Identifiers: ClinVar variation 4149712 (VCV004149712.1).
Genomic context (GRCh38, chr5:132,589,830, plus strand): 5'-ATGAATTACAGCAGTTGGAAGGATCTTCAGACAGGATTCTTGAACTGGACCAGGAGCTCA[T>A]AAAAGCTGTAAGATATTGTTTGAATAATCTAATAATTTTAAGATATAATACTTTTAGAAG-3'
Protein context (NP_005723.2, residues 472-492): DRILELDQEL[Ile482Lys]KAERELSKAE

ClinVar aggregate classification (germline): Uncertain significance (1 of 4 stars; one submission).

Conditions:
Hereditary cancer-predisposing syndrome. Also called: Hereditary neoplastic syndrome; Neoplastic Syndromes, Hereditary; Tumor predisposition; Hereditary Cancer Syndrome. Identifiers: Orphanet 140162, MedGen C0027672, MeSH D009386, MONDO:0015356.

gnomAD v4.1: 1 of 1,609,396 alleles (0.000062%); highest among the groups gnomAD compares: Admixed American, 0.0017%; no homozygotes.

Submission:

Ambry Genetics
Classification: Uncertain significance for Hereditary cancer-predisposing syndrome. Last evaluated: 2025-07-10. Review status: criteria provided, single submitter. Criteria: Ambry Variant Classification Scheme 2023. Collection method: clinical testing. Allele origin: germline.
Comment: The p.I482K variant (also known as c.1445T>A), located in coding exon 9 of the RAD50 gene, results from a T to A substitution at nucleotide position 1445. The isoleucine at codon 482 is replaced by lysine, an amino acid with dissimilar properties. This amino acid position is conserved. In addition, this alteration is predicted to be tolerated by in silico analysis. Based on the available evidence, the clinical significance of this variant remains unclear.